The following is an entry in ClinVar:

ClinVar aggregate classification (germline): Uncertain significance. Review status: criteria provided, multiple submitters, no conflicts (2 of 4 stars). 2 submissions from 2 submitters: Uncertain significance (2). Last evaluated 2025-11-05.

Conditions:
Cardiovascular phenotype. Identifiers: MedGen CN230736.
Long QT syndrome (LQTS). Identifiers: MedGen C0023976, MeSH D008133, MONDO:0002442. Disease mechanism: loss of function. Inheritance: Various modes of inheritance.

Allele frequency attached by ClinVar (database versions not stated): gnomAD 0.00001; gnomAD exomes 0.00001; ExAC 0.00002; TOPMed 0.00002.
gnomAD v4.1: 6 of 1,611,096 alleles (0.00037%); highest among the groups gnomAD compares: South Asian, 0.0011%; no homozygotes.

Submissions (2):

Labcorp Genetics (formerly Invitae), Labcorp
Classification: Uncertain significance for Long QT syndrome. Last evaluated: 2025-11-05. Review status: criteria provided, single submitter. Criteria: Invitae Variant Classification Sherloc (09022015). Collection method: clinical testing. Allele origin: germline.
Comment: This sequence change replaces asparagine, which is neutral and polar, with serine, which is neutral and polar, at codon 122 of the ANK2 protein (p.Asn122Ser). This variant is present in population databases (rs748761434, gnomAD 0.002%). This variant has not been reported in the literature in individuals affected with ANK2-related conditions. ClinVar contains an entry for this variant (Variation ID: 457034). Invitae Evidence Modeling of protein sequence and biophysical properties (such as structural, functional, and spatial information, amino acid conservation, physicochemical variation, residue mobility, and thermodynamic stability) indicates that this missense variant is not expected to disrupt ANK2 protein function with a negative predictive value of 80%. In summary, the available evidence is currently insufficient to determine the role of this variant in disease. Therefore, it has been classified as a Variant of Uncertain Significance.

Ambry Genetics
Classification: Uncertain significance for Cardiovascular phenotype. Last evaluated: 2023-09-15. Review status: criteria provided, single submitter. Criteria: Ambry Variant Classification Scheme 2023. Collection method: clinical testing. Allele origin: germline.
Comment: The p.N122S variant (also known as c.365A>G), located in coding exon 4 of the ANK2 gene, results from an A to G substitution at nucleotide position 365. The asparagine at codon 122 is replaced by serine, an amino acid with highly similar properties. According to data from gnomAD, the frequency for this variant is above the maximum credible frequency for a cardiac disease-causing variant in this gene based on internally established thresholds (Karczewski et al. Nature. 2020 May;581(7809):434-443; Whiffin et al. Genet Med. 2017 10;19:1151-1158). This amino acid position is well conserved in available vertebrate species. In addition, this alteration is predicted to be tolerated by in silico analysis. Based on the supporting evidence, the association of this alteration with ANK2-related neurodevelopmental disorder is unknown; however, the association with ANK2-related arrhythmia is unlikely.

NM_001148.6(ANK2):c.365A>G (p.Asn122Ser)

Gene: ANK2 (ankyrin 2; plus strand). Cytogenetic location: 4q25.
Variant type: single nucleotide variant.
Coding change: c.365A>G on transcript NM_001148.6 (MANE Select); coding-DNA position 365, A replaced by G.
Protein change: p.Asn122Ser; replaces asparagine 122 with serine.
Molecular consequence: missense variant.
Genome position (GRCh38, 1-based): chr4:113,199,090, A>G. VCF-style: chr4-113199090-A-G. GRCh37 (hg19) VCF-style: chr4-114120246-A-G.
Other names: c.302A>G, p.Asn101Ser (NM_001127493.3, NM_001354239.2, NM_001354243.2 and 33 more transcripts); c.365A>G, p.Asn122Ser (NM_001354225.2, NM_001354228.2, NM_001354232.2 and 9 more transcripts); c.410A>G, p.Asn137Ser (NM_001354230.2, NM_001354231.2, NM_001354237.2 and 5 more transcripts); c.347A>G, p.Asn116Ser (NM_001354261.2, NM_001386147.1, NM_001386160.1); c.353A>G, p.Asn118Ser (NM_001354269.3, NM_001386148.2, NM_001386186.2 and 1 more transcripts); c.416A>G, p.Asn139Ser (NM_001386174.1, NM_001386175.1); short protein forms N101S, N122S, N116S, N137S, N118S, N139S.
Identifiers: ClinVar variation 457034 (VCV000457034.7), dbSNP rs748761434, ClinGen allele CA3050008.
Genomic context (GRCh38, chr4:113,199,090, plus strand): 5'-ACATTGCATCTTTGGCTGGACAAGCAGAAGTTGTCAAAGTTCTTGTTAAGGAAGGAGCCA[A>G]TATTAATGCACAGTCTCAGGTATTCCATTCAGATTTTCCCTGATGTACATACATTTAAAT-3'
Protein context (NP_001139.3, residues 112-132): VVKVLVKEGA[Asn122Ser]INAQSQNGFT